The following is an entry in ClinVar:

ClinVar aggregate classification (germline): Conflicting classifications of pathogenicity. Review status: criteria provided, conflicting classifications (1 of 4 stars). 2 submissions from 2 submitters: Uncertain significance (1); Likely benign (1). Last evaluated 2025-05-25.

Conditions:
Inborn genetic diseases. Identifiers: MedGen C0950123, MeSH D030342.
Inflammatory bowel disease 28. Also called: Inflammatory bowel disease 28, early onset, autosomal recessive. Identifiers: Orphanet 238569, MedGen C2751053, MONDO:0013153, OMIM 613148.

gnomAD v4.1: 170 of 1,614,118 alleles (0.011%); highest among the groups gnomAD compares: East Asian, 0.37%; no homozygotes.

Submissions (2):

Ambry Genetics
Classification: Likely benign for Inborn genetic diseases. Last evaluated: 2025-05-25. Review status: criteria provided, single submitter. Criteria: Ambry Variant Classification Scheme 2023. Collection method: clinical testing. Allele origin: germline.

Labcorp Genetics (formerly Invitae), Labcorp
Classification: Uncertain significance for Inflammatory bowel disease 28. Last evaluated: 2024-11-07. Review status: criteria provided, single submitter. Criteria: Invitae Variant Classification Sherloc (09022015). Collection method: clinical testing. Allele origin: germline.
Comment: This sequence change replaces alanine, which is neutral and non-polar, with threonine, which is neutral and polar, at codon 511 of the IL10RA protein (p.Ala511Thr). This variant is present in population databases (rs766027945, gnomAD 0.07%). This variant has not been reported in the literature in individuals affected with IL10RA-related conditions. Invitae Evidence Modeling of protein sequence and biophysical properties (such as structural, functional, and spatial information, amino acid conservation, physicochemical variation, residue mobility, and thermodynamic stability) indicates that this missense variant is not expected to disrupt IL10RA protein function with a negative predictive value of 80%. In summary, the available evidence is currently insufficient to determine the role of this variant in disease. Therefore, it has been classified as a Variant of Uncertain Significance.

NM_001558.4(IL10RA):c.1531G>A (p.Ala511Thr)

Gene: IL10RA (interleukin 10 receptor subunit alpha; plus strand). Cytogenetic location: 11q23.3.
Variant type: single nucleotide variant.
Coding change: c.1531G>A on transcript NM_001558.4 (MANE Select); coding-DNA position 1531, G replaced by A.
Protein change: p.Ala511Thr; replaces alanine 511 with threonine.
Molecular consequence: missense variant. On other transcripts: non-coding transcript variant (1).
Genome position (GRCh38, 1-based): chr11:117,999,435, G>A. VCF-style: chr11-117999435-G-A. GRCh37 (hg19) VCF-style: chr11-117870150-G-A.
Other names: short protein forms A511T.
Identifiers: ClinVar variation 3611910 (VCV003611910.2).